The following is an entry in ClinVar:

ClinVar aggregate classification (germline): Uncertain significance (1 of 4 stars; one submission).

Allele frequency attached by ClinVar (database versions not stated): gnomAD exomes below 0.00001; ExAC 0.00005.
gnomAD v4.1: 1 of 1,533,008 alleles (0.000065%); highest among the groups gnomAD compares: African/African-American, 0.0014%; no homozygotes.

Submission:

GeneDx
Classification: Uncertain significance. Last evaluated: 2022-11-09. Review status: criteria provided, single submitter. Criteria: GeneDx Variant Classification Process June 2021. Collection method: clinical testing. Allele origin: germline. Affected: yes.
Comment: In silico analysis supports that this missense variant does not alter protein structure/function; Has not been previously published as pathogenic or benign to our knowledge

NM_001303052.2(MYT1L):c.348G>T (p.Glu116Asp)

Gene: MYT1L (myelin transcription factor 1 like; minus strand). Cytogenetic location: 2p25.3.
Variant type: single nucleotide variant.
Coding change: c.348G>T on transcript NM_001303052.2 (MANE Select); coding-DNA position 348, G replaced by T.
Protein change: p.Glu116Asp; replaces glutamic acid 116 with aspartic acid.
Molecular consequence: missense variant.
Genome position (GRCh38, 1-based): chr2:1,943,139, C>A on the plus strand (G>T on the coding strand, the complement: MYT1L is on the minus strand). VCF-style: chr2-1943139-C-A. GRCh37 (hg19) VCF-style: chr2-1946911-C-A.
Other names: c.348G>T, p.Glu116Asp (NM_001329844.2, NM_001329845.1, NM_001329846.3 and 6 more transcripts); short protein forms E116D.
Identifiers: ClinVar variation 2501897 (VCV002501897.1), dbSNP rs762371131, ClinGen allele CA1514411.
Genomic context (GRCh38, chr2:1,943,139, plus strand): 5'-CTCGATCTCCTCCTCCTCCTCCCGGTCCCCCTCCTCGTCCTCCTCGTCCTCATCCCCTGG[C>A]TCATCATTGTCCTCGGAGTACTCCTCCCCCTCATCCTCCTCCTTCTCATCCATGTCCTCA-3'
Protein context (NP_001289981.1, residues 106-126): EGEEYSEDND[Glu116Asp]PGDEDEEDEE